The following is an entry in ClinVar:

ClinVar aggregate classification (germline): Uncertain significance (1 of 4 stars; one submission).

Conditions:
Norman-Roberts syndrome (LIS2). Also called: Lissencephaly 2 (Norman-Roberts type). Identifiers: Orphanet 89844, MedGen C0796089, MONDO:0009760, OMIM 257320.
Familial temporal lobe epilepsy 7. Identifiers: Orphanet 101046, MedGen C4225327, MONDO:0014639, OMIM 616436.

Allele frequency attached by ClinVar (database versions not stated): gnomAD exomes below 0.00001; TOPMed below 0.00001.
gnomAD v4.1: 2 of 1,612,882 alleles (0.00012%); highest among the groups gnomAD compares: Non-Finnish European, 0.00017%; no homozygotes.

Submission:

Labcorp Genetics (formerly Invitae), Labcorp
Classification: Uncertain significance for Familial temporal lobe epilepsy 7; Norman-Roberts syndrome. Last evaluated: 2022-08-30. Review status: criteria provided, single submitter. Criteria: Invitae Variant Classification Sherloc (09022015). Collection method: clinical testing. Allele origin: germline.
Comment: In summary, the available evidence is currently insufficient to determine the role of this variant in disease. Therefore, it has been classified as a Variant of Uncertain Significance. Algorithms developed to predict the effect of missense changes on protein structure and function are either unavailable or do not agree on the potential impact of this missense change (SIFT: "Deleterious"; PolyPhen-2: "Probably Damaging"; Align-GVGD: "Class C0"). This variant has not been reported in the literature in individuals affected with RELN-related conditions. This variant is present in population databases (no rsID available, gnomAD 0.0009%). This sequence change replaces leucine, which is neutral and non-polar, with proline, which is neutral and non-polar, at codon 2099 of the RELN protein (p.Leu2099Pro).

NM_005045.4(RELN):c.6296T>C (p.Leu2099Pro)

Gene: RELN (reelin; minus strand). Cytogenetic location: 7q22.1.
Variant type: single nucleotide variant.
Coding change: c.6296T>C on transcript NM_005045.4 (MANE Select); coding-DNA position 6296, T replaced by C.
Protein change: p.Leu2099Pro; replaces leucine 2099 with proline.
Molecular consequence: missense variant.
Genome position (GRCh38, 1-based): chr7:103,551,073, A>G on the plus strand (T>C on the coding strand, the complement: RELN is on the minus strand). VCF-style: chr7-103551073-A-G. GRCh37 (hg19) VCF-style: chr7-103191520-A-G.
Other names: c.6296T>C, p.Leu2099Pro (NM_173054.3); short protein forms L2099P.
Identifiers: ClinVar variation 1718397 (VCV001718397.5), dbSNP rs1428607212, ClinGen allele CA368737430.